The following is an entry in ClinVar:

ClinVar aggregate classification (germline): Pathogenic. Review status: criteria provided, multiple submitters, no conflicts (2 of 4 stars). 4 submissions from 4 submitters: Pathogenic (4). Last evaluated 2025-09-29.

Conditions:
Developmental and epileptic encephalopathy, 9 (DEE9). Also called: JUBERG-HELLMAN SYNDROME; PCDH19-Related X-Linked Female-Limited Epilepsy with Mental Retardation; Early infantile epileptic encephalopathy 9; EPILEPSY, FEMALE-RESTRICTED, WITH MENTAL RETARDATION. Identifiers: Orphanet 101039, Orphanet 2076, MedGen C1848137, MONDO:0010246, OMIM 300088. Disease mechanism: loss of function.

Submissions (4):

3billion
Classification: Pathogenic for Developmental and epileptic encephalopathy, 9. Last evaluated: 2025-09-29. Review status: criteria provided, single submitter. Criteria: ACMG Guidelines, 2015. Collection method: clinical testing. Allele origin: germline. Affected: yes.
Comment: The variant is not observed in the gnomAD v4.1.0 dataset. Predicted Consequence/Location: Missense variant In silico tool predictions suggest damaging effect of the variant on gene or gene product [REVEL: 0.93 (>=0.6, sensitivity 0.68 and specificity 0.92); 3Cnet: 0.99 (> 0.75, sensitivity 0.96 and precision 0.92)]. The same nucleotide change resulting in the same amino acid change has been previously reported as pathogenic/likely pathogenic with strong evidence (ClinVar ID: VCV001507139 /PMID: 22267240 /3billion dataset). The variant has been observed in at least two similarly affected unrelated individuals (PMID: 22267240, 27179713). Different missense changes at the same codon (p.Pro344Ala, p.Pro344Gln, p.Pro344Leu) have been reported as pathogenic/likely pathogenic with strong evidence (ClinVar ID: VCV000206326, VCV000647613, VCV001948906 /PMID: 23334464 /3billion dataset). Therefore, this variant is classified as Pathogenic according to the recommendation of ACMG/AMP guideline.

GeneDx
Classification: Pathogenic. Last evaluated: 2024-11-27. Review status: criteria provided, single submitter. Criteria: GeneDx Variant Classification Process June 2021. Collection method: clinical testing. Allele origin: germline. Affected: yes.
Comment: Not observed at significant frequency in large population cohorts (gnomAD); In silico analysis supports that this missense variant has a deleterious effect on protein structure/function; This variant is associated with the following publications: (PMID: 22267240, 31130284, 27179713, 23334464, 36084525, 34992632)

Labcorp Genetics (formerly Invitae), Labcorp
Classification: Pathogenic for Developmental and epileptic encephalopathy, 9. Last evaluated: 2024-10-21. Review status: criteria provided, single submitter. Criteria: Invitae Variant Classification Sherloc (09022015). Collection method: clinical testing. Allele origin: germline.
Comment: This sequence change replaces proline, which is neutral and non-polar, with arginine, which is basic and polar, at codon 344 of the PCDH19 protein (p.Pro344Arg). This variant is not present in population databases (gnomAD no frequency). This missense change has been observed in individual(s) with clinical features of PCDH19-related conditions (PMID: 27179713; internal data). In at least one individual the variant was observed to be de novo. ClinVar contains an entry for this variant (Variation ID: 1507139). Invitae Evidence Modeling of protein sequence and biophysical properties (such as structural, functional, and spatial information, amino acid conservation, physicochemical variation, residue mobility, and thermodynamic stability) indicates that this missense variant is expected to disrupt PCDH19 protein function with a positive predictive value of 95%. This variant disrupts the p.Pro344 amino acid residue in PCDH19. Other variant(s) that disrupt this residue have been determined to be pathogenic (PMID: 23334464). This suggests that this residue is clinically significant, and that variants that disrupt this residue are likely to be disease-causing. For these reasons, this variant has been classified as Pathogenic.

Mendelics
Classification: Pathogenic for Developmental and epileptic encephalopathy, 9. Last evaluated: 2022-05-04. Review status: criteria provided, single submitter. Criteria: Mendelics Assertion Criteria 2019. Collection method: clinical testing. Allele origin: germline.

Literature cited by the submitters: PubMed 27179713 (cited by 3billion and Labcorp Genetics (formerly Invitae), Labcorp); PubMed 22267240 (cited by 3billion); PubMed 23334464 (cited by 3billion and Labcorp Genetics (formerly Invitae), Labcorp).

NM_001184880.2(PCDH19):c.1031C>G (p.Pro344Arg)

Gene: PCDH19 (protocadherin 19; minus strand). Cytogenetic location: Xq22.1.
Variant type: single nucleotide variant.
Coding change: c.1031C>G on transcript NM_001184880.2 (MANE Select); coding-DNA position 1031, C replaced by G.
Protein change: p.Pro344Arg; replaces proline 344 with arginine.
Molecular consequence: missense variant.
Genome position (GRCh38, 1-based): chrX:100,407,567, G>C on the plus strand (C>G on the coding strand, the complement: PCDH19 is on the minus strand). VCF-style: chrX-100407567-G-C. GRCh37 (hg19) VCF-style: chrX-99662565-G-C.
Other names: c.1031C>G (NM_001184880.1); c.1031C>G, p.Pro344Arg (NM_020766.3, NM_001105243.2); short protein forms P344R.
Identifiers: ClinVar variation 1507139 (VCV001507139.12), dbSNP rs796052811, ClinGen allele CA414004645.